The following is an entry in ClinVar:

NM_006939.4(SOS2):c.511-81G>A

Gene: SOS2 (SOS Ras/Rho guanine nucleotide exchange factor 2; minus strand). Cytogenetic location: 14q21.3.
Variant type: single nucleotide variant.
Coding change: c.511-81G>A on transcript NM_006939.4 (MANE Select); 81 bases into the intron before coding-DNA position 511, G replaced by A.
Molecular consequence: intron variant.
Genome position (GRCh38, 1-based): chr14:50,188,781, C>T on the plus strand (G>A on the coding strand, the complement: SOS2 is on the minus strand). VCF-style: chr14-50188781-C-T. GRCh37 (hg19) VCF-style: chr14-50655499-C-T.
Identifiers: ClinVar variation 561647 (VCV000561647.2), dbSNP rs60775477, ClinGen allele CA260713507.

ClinVar aggregate classification (germline): Likely benign. Review status: criteria provided, multiple submitters, no conflicts (2 of 4 stars). 2 submissions from 2 submitters: Likely benign (2). Last evaluated 2018-06-14.

Allele frequency attached by ClinVar (database versions not stated): gnomAD exomes 0.00102; gnomAD 0.00933 and 0.01003; 1000 Genomes Project 0.01078; TOPMed 0.01104; 1000 Genomes Project 30x 0.01109.
gnomAD v4.1: 2,268 of 931,152 alleles (0.24%); highest among the groups gnomAD compares: African/African-American, 3.2%; 30 homozygotes.

Submissions (2):

GeneDx
Classification: Likely benign. Last evaluated: 2018-06-14. Review status: criteria provided, single submitter. Criteria: GeneDx Variant Classification (06012015). Collection method: clinical testing. Allele origin: germline. Affected: yes.
Comment: This variant is considered likely benign or benign based on one or more of the following criteria: it is a conservative change, it occurs at a poorly conserved position in the protein, it is predicted to be benign by multiple in silico algorithms, and/or has population frequency not consistent with disease.

Breakthrough Genomics
Classification: Likely benign. Review status: criteria provided, single submitter. Criteria: ACMG Guidelines, 2015. Collection method: not provided. Allele origin: germline. Inheritance: Autosomal dominant inheritance. Affected: yes.